The following is an entry in ClinVar:

NM_000057.4(BLM):c.3015_3017del (p.Ile1005del)

Gene: BLM (BLM RecQ like helicase; plus strand). Cytogenetic location: 15q26.1.
Variant type: Deletion.
Coding change: c.3015_3017del on transcript NM_000057.4 (MANE Select); coding-DNA positions 3015 to 3017, 3 bases deleted (AAT; older notation c.3015_3017delAAT).
Protein change: p.Ile1005del; deletes isoleucine 1005.
Molecular consequence: inframe deletion.
Genome position (GRCh38, 1-based): chr15:90,790,840-90,790,842, AAT deleted; deleting any 3 consecutive bases within chr15:90,790,838-90,790,842 gives the same sequence; the c. name uses the placement nearest the transcript's 3' end. VCF-style (leftmost placement, unchanged base first): chr15-90790837-TATA-T. GRCh37 (hg19) VCF-style: chr15-91334067-TATA-T.
Other names: c.3015_3017del, p.Ile1005del (NM_001287246.2, NM_001287247.2); c.1890_1892del, p.Ile630del (NM_001287248.2); short protein forms I1005del, I630del.
Identifiers: ClinVar variation 1473321 (VCV001473321.8), dbSNP rs2151184770, ClinGen allele CA912994798.

ClinVar aggregate classification (germline): Uncertain significance (1 of 4 stars; one submission).

Conditions:
Bloom syndrome (BLM). Also called: Bloom-Torre-Machacek syndrome. Identifiers: Orphanet 125, MedGen C0005859, MONDO:0008876, OMIM 210900.

Submission:

Labcorp Genetics (formerly Invitae), Labcorp
Classification: Uncertain significance for Bloom syndrome. Last evaluated: 2022-08-10. Review status: criteria provided, single submitter. Criteria: Invitae Variant Classification Sherloc (09022015). Collection method: clinical testing. Allele origin: germline.
Comment: In summary, the available evidence is currently insufficient to determine the role of this variant in disease. Therefore, it has been classified as a Variant of Uncertain Significance. Experimental studies and prediction algorithms are not available or were not evaluated, and the functional significance of this variant is currently unknown. ClinVar contains an entry for this variant (Variation ID: 1473321). This variant has not been reported in the literature in individuals affected with BLM-related conditions. This variant is not present in population databases (gnomAD no frequency). This variant, c.3015_3017del, results in the deletion of 1 amino acid(s) of the BLM protein (p.Ile1005del), but otherwise preserves the integrity of the reading frame.